The following is an entry in ClinVar:

ClinVar aggregate classification (germline): Uncertain significance (1 of 4 stars; one submission).

Submission:

Dasa
Classification: Uncertain significance. Last evaluated: 2025-06-07. Review status: criteria provided, single submitter. Criteria: DASA Assertion Criteria. Collection method: clinical testing. Allele origin: germline.
Comment: NM_001733.7(C1R):c.1198G>A (p.Ala400Thr) is a missense variant that results in the substitution of alanine with threonine. This variant is rare in population databases. The currently available literature and clinical evidence are not sufficient to establish a definitive association between this variant and the reported condition. Therefore, this variant is classified as a variant of uncertain significance.

NM_001733.7(C1R):c.1198G>A (p.Ala400Thr)

Gene: C1R (complement C1r; minus strand). Cytogenetic location: 12p13.31.
Variant type: single nucleotide variant.
Coding change: c.1198G>A on transcript NM_001733.7 (MANE Select); coding-DNA position 1198, G replaced by A.
Protein change: p.Ala400Thr; replaces alanine 400 with threonine.
Molecular consequence: missense variant.
Genome position (GRCh38, 1-based): chr12:7,085,936, C>T on the plus strand (G>A on the coding strand, the complement: C1R is on the minus strand). VCF-style: chr12-7085936-C-T.
Other names: c.1240G>A, p.Ala414Thr (NM_001354346.2); short protein forms A400T, A414T.
Identifiers: ClinVar variation 4882865 (VCV004882865.2).
Genomic context (GRCh38, chr12:7,085,936, plus strand): 5'-TGCTGCCAGCTCTGGTCTGCATCTTGTAATATGGCTCATGGCAGTAGTACTGGATACGGG[C>T]CTTGTAGGTGTTCACTCCCATTGTGGTGGTGTAACGGAAGTCACCATTAGGCAGGTTTCG-3'
Protein context (NP_001724.4, residues 390-410): TTTMGVNTYK[Ala400Thr]RIQYYCHEPY